The following is an entry in ClinVar:

NM_001943.5(DSG2):c.2906C>T (p.Ala969Val)

Genes: DSG2 (desmoglein 2; plus strand), DSG2-AS1 (DSG2 antisense RNA 1; minus strand). Cytogenetic location: 18q12.1.
Variant type: single nucleotide variant.
Coding change: c.2906C>T on transcript NM_001943.5 (MANE Select); coding-DNA position 2906, C replaced by T.
Protein change: p.Ala969Val; replaces alanine 969 with valine.
Molecular consequence: missense variant.
Genome position (GRCh38, 1-based): chr18:31,546,292, C>T. VCF-style: chr18-31546292-C-T. GRCh37 (hg19) VCF-style: chr18-29126255-C-T.
Other names: c.2906C>T (LRG_397t1); short protein forms A969V.
Identifiers: ClinVar variation 199820 (VCV000199820.24), dbSNP rs373598034, ClinGen allele CA021927.

ClinVar aggregate classification (germline): Conflicting classifications of pathogenicity. Review status: criteria provided, conflicting classifications (1 of 4 stars). 10 submissions from 10 submitters: Uncertain significance (1); Likely benign (7). 2 of the submissions do not count toward it. Last evaluated 2026-02-04.

Conditions:
Cardiovascular phenotype. Identifiers: MedGen CN230736.
Arrhythmogenic right ventricular cardiomyopathy (ARVD). Also called: Arrhythmogenic cardiomyopathy; Cardiomyopathy, ARVC; Arrhythmogenic right ventricular dysplasia; Arrhythmogenic Right Ventricular Cardiomyopathy (ARVC). Identifiers: Orphanet 247, MedGen C0349788, MeSH D019571, MONDO:0016587. Disease mechanism: loss of function. Inheritance: Various modes of inheritance.
Cardiomyopathy (CMYO). Also called: Cardiomyopathies. Identifiers: Orphanet 167848, MedGen C0878544, MONDO:0004994, HP:0001638. Inheritance: Various modes of inheritance.
Arrhythmogenic right ventricular dysplasia 10. Also called: ARRHYTHMOGENIC RIGHT VENTRICULAR DYSPLASIA, FAMILIAL, 10; Arrhythmogenic right ventricular dysplasia/cardiomyopathy, type 10; Arrhythmogenic Right Ventricular Dysplasia/Cardiomyopathy10. Identifiers: MedGen C1857777, MONDO:0012434, OMIM 610193.

Allele frequency attached by ClinVar (database versions not stated): gnomAD 0.00004 and 0.00014; TOPMed 0.00006; ESP Exome Variant Server 0.00008; gnomAD exomes 0.00027 and 0.00043; ExAC 0.00055; 1000 Genomes Project 0.00080; 1000 Genomes Project 30x 0.00094.
gnomAD v4.1: 404 of 1,602,308 alleles (0.025%); highest among the groups gnomAD compares: South Asian, 0.36%; 9 homozygotes.

Submissions (10):

Labcorp Genetics (formerly Invitae), Labcorp
Classification: Likely benign for Arrhythmogenic right ventricular dysplasia 10. Last evaluated: 2026-02-04. Review status: criteria provided, single submitter. Criteria: Invitae Variant Classification Sherloc (09022015). Collection method: clinical testing. Allele origin: germline.

Molecular Diagnostic Laboratory for Inherited Cardiovascular Disease, Montreal Heart Institute
Classification: Likely benign. Last evaluated: 2025-04-09. Review status: criteria provided, single submitter. Criteria: ACMG Guidelines, 2015. Collection method: clinical testing. Allele origin: germline. Affected: no.

Blueprint Genetics
Classification: Likely benign. Last evaluated: 2024-11-17. Review status: criteria provided, single submitter. Criteria: ACMG Guidelines, 2015. Collection method: clinical testing. Allele origin: germline.

All of Us Research Program, National Institutes of Health
Classification: Likely benign for Arrhythmogenic right ventricular cardiomyopathy. Last evaluated: 2024-02-05. Review status: criteria provided, single submitter. Criteria: ACMG Guidelines, 2015. Collection method: clinical testing. Allele origin: germline. Inheritance: Autosomal dominant inheritance. Observed: 19 variant alleles, 19 heterozygotes.
Comment: This study involves interpretation of variants in research participants for the purpose of population health screening. Participant phenotype was not available at the time of variant classification. Additional details can be found in publication PMID: 35346344, PMCID: PMC8962531

Ambry Genetics
Classification: Likely benign for Cardiovascular phenotype. Last evaluated: 2018-12-05. Review status: criteria provided, single submitter. Criteria: Ambry Variant Classification Scheme 2023. Collection method: clinical testing. Allele origin: germline.

Color Diagnostics, LLC DBA Color Health
Classification: Likely benign for Cardiomyopathy. Last evaluated: 2018-10-29. Review status: criteria provided, single submitter. Criteria: ACMG Guidelines, 2015. Collection method: clinical testing. Allele origin: germline.

Illumina Laboratory Services, Illumina
Classification: Likely benign for Arrhythmogenic right ventricular dysplasia 10. Last evaluated: 2018-01-13. Review status: criteria provided, single submitter. Criteria: ICSL Variant Classification Criteria 13 December 2019. Collection method: clinical testing. Allele origin: germline.
Comment: This variant was observed in the ICSL laboratory as part of a predisposition screen in an ostensibly healthy population. It had not been previously curated by ICSL or reported in the Human Gene Mutation Database (HGMD: prior to June 1st, 2018), and was therefore a candidate for classification through an automated scoring system. Utilizing variant allele frequency, disease prevalence and penetrance estimates, and inheritance mode, an automated score was calculated to assess if this variant is too frequent to cause the disease. Based on the score and internal cut-off values, a variant classified as likely benign is not then subjected to further curation. The score for this variant resulted in a classification of likely benign for this disease.

Genomic Diagnostic Laboratory, Division of Genomic Diagnostics, Children's Hospital of Philadelphia
Classification: Uncertain significance for Arrhythmogenic right ventricular cardiomyopathy. Last evaluated: 2015-07-10. Review status: criteria provided, single submitter. Criteria: DGD Variant Analysis Guidelines. Collection method: clinical testing. Allele origin: unknown.

Clinical Genetics, Academic Medical Center
Classification: Benign. Review status: no assertion criteria provided. Collection method: clinical testing. Allele origin: germline. Affected: yes. Study: VKGL Data-share Consensus. Not counted in ClinVar's aggregate classification.

Genome Diagnostics Laboratory, University Medical Center Utrecht
Classification: Benign. Review status: no assertion criteria provided. Collection method: clinical testing. Allele origin: germline. Affected: yes. Study: VKGL Data-share Consensus. Not counted in ClinVar's aggregate classification.

Literature cited by the submitters: PubMed 25351510 (cited by Ambry Genetics); PubMed 29396286 (cited by Ambry Genetics); PubMed 29606362 (cited by Ambry Genetics).